The following is an entry in ClinVar:

ClinVar aggregate classification (germline): Likely pathogenic (1 of 4 stars; one submission).

Conditions:
Rahman syndrome. Also called: HIST1H1E Syndrome. Identifiers: Orphanet 642763, MedGen C4479637, MONDO:0044323, OMIM 617537.

Submission:

Kasturba Medical College, Manipal, Kasturba Medical College, Manipal, Manipal Academy of Higher Education, Manipal, India
Classification: Likely pathogenic for Rahman syndrome. Review status: criteria provided, single submitter. Criteria: ACMG Guidelines, 2015. Collection method: research. Allele origin: de novo. Inheritance: Autosomal dominant inheritance. Affected: yes. Observed: 1 heterozygote.
Comment: The variant is absent in gnomAD (v4.1.0) and our in-house database of 3274 exomes. In silico prediction tools (MutationTaster, CADD_phred, and REVEL) are consistent in predicting the variant to be damaging to the H1.4 protein function.

NM_005321.3(H1-4):c.197T>C (p.Leu66Pro)

Gene: H1-4 (H1.4 linker histone, cluster member; plus strand). Cytogenetic location: 6p22.2.
Variant type: single nucleotide variant.
Coding change: c.197T>C on transcript NM_005321.3 (MANE Select); coding-DNA position 197, T replaced by C.
Protein change: p.Leu66Pro; replaces leucine 66 with proline.
Molecular consequence: missense variant.
Genome position (GRCh38, 1-based): chr6:26,156,587, T>C. VCF-style: chr6-26156587-T-C. GRCh37 (hg19) VCF-style: chr6-26156815-T-C.
Other names: short protein forms L66P.
Identifiers: ClinVar variation 3393326 (VCV003393326.2).